The following is an entry in ClinVar:

ClinVar aggregate classification (germline): Benign (1 of 4 stars; one submission).

Conditions:
Colorectal cancer, susceptibility to, 1. Also called: COLORECTAL ADENOMA AND CANCER, SUSCEPTIBILITY TO; COLORECTAL CANCER, SUSCEPTIBILITY TO, ON CHROMOSOME 9. Identifiers: MedGen C1837315, MONDO:0012132, OMIM 608812.

Submission:

Myriad Genetics, Inc.
Classification: Benign for Colorectal cancer, susceptibility to, 1. Last evaluated: 2026-04-24. Review status: criteria provided, single submitter. Criteria: Myriad Autosomal Dominant, Autosomal Recessive and X-Linked Classification Criteria (2023). Collection method: clinical testing. Allele origin: unknown.
Comment: This variant is considered benign. This variant is a silent/synonymous amino acid change and it is not expected to impact splicing.

NM_024642.5(GALNT12):c.627G>A (p.Val209=)

Gene: GALNT12 (polypeptide N-acetylgalactosaminyltransferase 12; plus strand). Cytogenetic location: 9q22.33.
Variant type: single nucleotide variant.
Coding change: c.627G>A on transcript NM_024642.5 (MANE Select); coding-DNA position 627, G replaced by A.
Protein change: p.Val209=; no amino-acid change (valine 209 retained).
Molecular consequence: synonymous variant.
Genome position (GRCh38, 1-based): chr9:98,826,837, G>A. VCF-style: chr9-98826837-G-A. GRCh37 (hg19) VCF-style: chr9-101589119-G-A.
Identifiers: ClinVar variation 4875813 (VCV004875813.1).